The following is an entry in ClinVar:

NM_005886.3(KATNB1):c.1417-3C>A

Gene: KATNB1 (katanin regulatory subunit B1; plus strand). Cytogenetic location: 16q21.
Variant type: single nucleotide variant.
Coding change: c.1417-3C>A on transcript NM_005886.3 (MANE Select); 3 bases into the intron before coding-DNA position 1417, C replaced by A.
Molecular consequence: intron variant.
Genome position (GRCh38, 1-based): chr16:57,755,342, C>A. VCF-style: chr16-57755342-C-A. GRCh37 (hg19) VCF-style: chr16-57789254-C-A.
Identifiers: ClinVar variation 1921713 (VCV001921713.5), dbSNP rs1388701034, ClinGen allele CA622876276.

ClinVar aggregate classification (germline): Uncertain significance (1 of 4 stars; one submission).

gnomAD v4.1: 1 of 1,612,982 alleles (0.000062%); no homozygotes.

Submission:

Labcorp Genetics (formerly Invitae), Labcorp
Classification: Uncertain significance. Last evaluated: 2022-07-22. Review status: criteria provided, single submitter. Criteria: Invitae Variant Classification Sherloc (09022015). Collection method: clinical testing. Allele origin: germline.
Comment: This variant is present in population databases (no rsID available, gnomAD 0.0009%). In summary, the available evidence is currently insufficient to determine the role of this variant in disease. Therefore, it has been classified as a Variant of Uncertain Significance. Variants that disrupt the consensus splice site are a relatively common cause of aberrant splicing (PMID: 17576681, 9536098). Algorithms developed to predict the effect of sequence changes on RNA splicing suggest that this variant may create or strengthen a splice site. This variant has not been reported in the literature in individuals affected with KATNB1-related conditions. This sequence change falls in intron 15 of the KATNB1 gene. It does not directly change the encoded amino acid sequence of the KATNB1 protein. It affects a nucleotide within the consensus splice site.

Literature cited by the submitters: PubMed 17576681; PubMed 9536098.